The following is an entry in ClinVar:

NM_144999.4(LRRC45):c.1036C>T (p.Leu346=)

Gene: LRRC45 (leucine rich repeat containing 45; plus strand). Cytogenetic location: 17q25.3.
Variant type: single nucleotide variant.
Coding change: c.1036C>T on transcript NM_144999.4 (MANE Select); coding-DNA position 1036, C replaced by T.
Protein change: p.Leu346=; no amino-acid change (leucine 346 retained).
Molecular consequence: synonymous variant.
Genome position (GRCh38, 1-based): chr17:82,028,135, C>T. VCF-style: chr17-82028135-C-T. GRCh37 (hg19) VCF-style: chr17-79986011-C-T.
Identifiers: ClinVar variation 3351358 (VCV003351358.1).

ClinVar aggregate classification (germline): Likely benign (0 of 4 stars; one submission).

Conditions:
LRRC45-related disorder. Also called: LRRC45-related condition.

gnomAD v4.1: 106 of 1,567,776 alleles (0.0068%); highest among the groups gnomAD compares: Non-Finnish European, 0.0086%; no homozygotes.

Submission:

PreventionGenetics, part of Exact Sciences
Classification: Likely benign for LRRC45-related condition. Last evaluated: 2024-07-15. Review status: no assertion criteria provided. Collection method: clinical testing. Allele origin: germline.
Comment: This variant is classified as likely benign based on ACMG/AMP sequence variant interpretation guidelines (Richards et al. 2015 PMID: 25741868, with internal and published modifications).